The following is an entry in ClinVar:

NM_001267550.2(TTN):c.63049_63050dup (p.Ile21018fs)

Genes: TTN (titin; minus strand), TTN-AS1 (TTN antisense RNA 1; plus strand). Cytogenetic location: 2q31.2.
Variant type: Duplication.
Coding change: c.63049_63050dup on transcript NM_001267550.2 (MANE Select); coding-DNA positions 63049 to 63050, 2 bases duplicated (GC; older notation c.63049_63050dupGC).
Protein change: p.Ile21018fs; shifts the reading frame from isoleucine 21018.
Molecular consequence: frameshift variant.
Genome position (GRCh38, 1-based): chr2:178,588,675-178,588,676, GC duplicated on the plus strand (GC on the coding strand, the reverse complement: TTN is on the minus strand). VCF-style (leftmost placement, unchanged base first): chr2-178588674-T-TGC. GRCh37 (hg19) VCF-style: chr2-179453401-T-TGC.
Other names: c.63049_63050dupGC (NM_001267550.2); c.58126_58127dup, p.Ile19377fs (NM_001256850.1); c.35854_35855dup, p.Ile11953fs (NM_003319.4); c.55345_55346dup, p.Ile18450fs (NM_133378.4); c.36229_36230dup, p.Ile12078fs (NM_133432.3); c.36430_36431dup, p.Ile12145fs (NM_133437.4); short protein forms I21018fs, I12145fs, I19377fs, I11953fs, I12078fs, I18450fs.
Identifiers: ClinVar variation 573125 (VCV000573125.13), dbSNP rs1559561666, ClinGen allele CA891843264.

ClinVar aggregate classification (germline): Pathogenic/Likely pathogenic. Review status: criteria provided, multiple submitters, no conflicts (2 of 4 stars). 2 submissions from 2 submitters: Pathogenic (1); Likely pathogenic (1). Last evaluated 2024-03-01.

Conditions:
Autosomal recessive limb-girdle muscular dystrophy type 2J (LGMDR10). Also called: MUSCULAR DYSTROPHY, LIMB-GIRDLE, AUTOSOMAL RECESSIVE 10; Limb-girdle muscular dystrophy, type 2J. Identifiers: Orphanet 140922, MedGen C1837342, MONDO:0012127, OMIM 608807.
Dilated cardiomyopathy 1G (CMD1G). Identifiers: Orphanet 154, MedGen C1858763, MONDO:0011400, OMIM 604145.
Hypertrophic cardiomyopathy 9. Also called: Familial hypertrophic cardiomyopathy 9. Identifiers: MedGen C1861065, MONDO:0013412, OMIM 613765.
Tibial muscular dystrophy (TMD). Also called: Tibial muscular dystrophy, tardive; Udd Distal Myopathy – Tibial Muscular Dystrophy; UDD MYOPATHY. Identifiers: Orphanet 609, MedGen C1838244, MONDO:0010870, OMIM 600334.
Early-onset myopathy with fatal cardiomyopathy (CMYO5). Also called: CONGENITAL MYOPATHY 5 WITH CARDIOMYOPATHY; Salih Myopathy. Identifiers: Orphanet 289377, MedGen C2673677, MONDO:0012714, OMIM 611705. Disease mechanism: loss of function.
Myopathy, myofibrillar, 9, with early respiratory failure (MFM9). Also called: Myopathy, distal, with early respiratory failure, autosomal dominant; Hereditary myopathy with early respiratory failure; EDSTROM MYOPATHY; MYOPATHY, PROXIMAL, WITH EARLY RESPIRATORY MUSCLE INVOLVEMENT. Identifiers: Orphanet 178464, Orphanet 34521, MedGen C1863599, MONDO:0011362, OMIM 603689.

Submissions (2):

Labcorp Genetics (formerly Invitae), Labcorp
Classification: Pathogenic for Dilated cardiomyopathy 1G; Autosomal recessive limb-girdle muscular dystrophy type 2J. Last evaluated: 2024-03-01. Review status: criteria provided, single submitter. Criteria: Invitae Variant Classification Sherloc (09022015). Collection method: clinical testing. Allele origin: germline.
Comment: This sequence change creates a premature translational stop signal (p.Ile21018Glnfs*7) in the TTN gene. While this is not anticipated to result in nonsense mediated decay, it is expected to create a truncated TTN protein. This variant is not present in population databases (gnomAD no frequency). This premature translational stop signal has been observed in individual(s) with dilated cardiomyopathy (Invitae). It has also been observed to segregate with disease in related individuals. ClinVar contains an entry for this variant (Variation ID: 573125). This variant is located in the A band of TTN (PMID: 25589632). Truncating variants in this region are significantly overrepresented in patients affected with dilated cardiomyopathy (PMID: 25589632). Truncating variants in this region have also been reported in individuals affected with autosomal recessive centronuclear myopathy (PMID: 23975875). For these reasons, this variant has been classified as Pathogenic.

Fulgent Genetics
Classification: Likely pathogenic for Tibial muscular dystrophy; Myopathy, myofibrillar, 9, with early respiratory failure; Dilated cardiomyopathy 1G; Autosomal recessive limb-girdle muscular dystrophy type 2J; Early-onset myopathy with fatal cardiomyopathy; Hypertrophic cardiomyopathy 9. Last evaluated: 2021-11-05. Review status: criteria provided, single submitter. Criteria: ACMG Guidelines, 2015. Collection method: clinical testing. Allele origin: unknown.

Literature cited by the submitters: PubMed 25589632 (cited by Labcorp Genetics (formerly Invitae), Labcorp); PubMed 23975875 (cited by Labcorp Genetics (formerly Invitae), Labcorp).